The following is an entry in ClinVar:

ClinVar aggregate classification (germline): Conflicting classifications of pathogenicity. Review status: criteria provided, conflicting classifications (1 of 4 stars). 7 submissions from 7 submitters: Uncertain significance (6); Likely benign (1). Last evaluated 2025-12-29.

Conditions:
Neurofibromatosis, type 2 (SWNV). Also called: NF2-Related Schwannomatosis; SCHWANNOMATOSIS, VESTIBULAR; BILATERAL ACOUSTIC NEUROFIBROMATOSIS. Identifiers: Orphanet 637, MedGen C0027832, MONDO:0007039, OMIM 101000. Disease mechanism: loss of function.
Hereditary cancer-predisposing syndrome. Also called: Hereditary Cancer Syndrome; Hereditary neoplastic syndrome; Neoplastic Syndromes, Hereditary; Tumor predisposition. Identifiers: Orphanet 140162, MedGen C0027672, MeSH D009386, MONDO:0015356.

Allele frequency attached by ClinVar (database versions not stated): TOPMed below 0.00001.
gnomAD v4.1: 10 of 1,613,766 alleles (0.00062%); highest among the groups gnomAD compares: African/African-American, 0.0013%; no homozygotes.

Submissions (7):

Labcorp Genetics (formerly Invitae), Labcorp
Classification: Likely benign for Neurofibromatosis, type 2. Last evaluated: 2025-12-29. Review status: criteria provided, single submitter. Criteria: Invitae Variant Classification Sherloc (09022015). Collection method: clinical testing. Allele origin: germline.

Ambry Genetics
Classification: Uncertain significance for Hereditary cancer-predisposing syndrome. Last evaluated: 2025-07-24. Review status: criteria provided, single submitter. Criteria: Ambry Variant Classification Scheme 2023. Collection method: clinical testing. Allele origin: germline.
Comment: The p.R588* variant (also known as c.1762C>T), located in coding exon 16 of the NF2 gene, results from a C to T substitution at nucleotide position 1762. This changes the amino acid from an arginine to a stop codon within coding exon 16. This alteration occurs at the 3' terminus of theNF2 gene, is not expected to trigger nonsense-mediated mRNAdecay, and impacts the last 8 amino acids of the protein. The exact functional effect of this alteration is unknown. Based on the available evidence, the clinical significance of this variant remains unclear.

Color Diagnostics, LLC DBA Color Health
Classification: Uncertain significance for Neurofibromatosis, type 2. Last evaluated: 2025-06-11. Review status: criteria provided, single submitter. Criteria: ACMG Guidelines, 2015. Collection method: clinical testing. Allele origin: germline.
Comment: This variant changes 1 nucleotide in exon 16 of the NF2 gene, creating a premature translation stop signal in the last coding exon. This truncation is not expected to trigger nonsense-mediated decay and does not impact any known functional domain. To our knowledge, this variant has not been reported in individuals affected with hereditary cancer in the literature. This variant has not been identified in the general population by the Genome Aggregation Database (gnomAD). The available evidence is insufficient to determine the role of this variant in disease conclusively. Therefore, this variant is classified as a Variant of Uncertain Significance.

All of Us Research Program, National Institutes of Health
Classification: Uncertain significance for Neurofibromatosis, type 2. Last evaluated: 2024-05-07. Review status: criteria provided, single submitter. Criteria: ACMG Guidelines, 2015. Collection method: clinical testing. Allele origin: germline. Inheritance: Autosomal dominant inheritance. Observed: 1 variant allele, 1 heterozygote.
Comment: This variant changes 1 nucleotide in exon 16 of the NF2 gene, creating a premature translation stop signal in the last coding exon. This truncation is not expected to trigger nonsense-mediated decay and does not impact any known functional domain. To our knowledge, this variant has not been reported in individuals affected with hereditary cancer in the literature. This variant has not been identified in the general population by the Genome Aggregation Database (gnomAD). Loss of NF2 function is a known mechanism of disease. The available evidence is insufficient to determine the role of this variant in disease conclusively. Therefore, this variant is classified as a Variant of Uncertain Significance.

This study involves interpretation of variants in research participants for the purpose of population health screening. Participant phenotype was not available at the time of variant classification. Additional details can be found in publication PMID: 35346344, PMCID: PMC8962531

CeGaT Center for Human Genetics Tuebingen
Classification: Uncertain significance. Last evaluated: 2024-05-01. Review status: criteria provided, single submitter. Criteria: CeGaT Center For Human Genetics Tuebingen Variant Classification Criteria Version 2. Collection method: clinical testing. Allele origin: germline. Affected: yes. Observed: 1 variant allele.
Comment: NF2: PM2, PVS1:Moderate

GeneDx
Classification: Uncertain significance. Last evaluated: 2023-05-25. Review status: criteria provided, single submitter. Criteria: GeneDx Variant Classification Process June 2021. Collection method: clinical testing. Allele origin: germline. Affected: yes.
Comment: Not observed in large population cohorts (gnomAD); Nonsense variant predicted to result in protein truncation, although loss-of-function variants have not been reported downstream of this position in the protein; Has not been previously published as pathogenic or benign to our knowledge; This variant is associated with the following publications: (PMID: 33087929, 11756419)

Genome-Nilou Lab
Classification: Uncertain significance for Neurofibromatosis, type 2. Last evaluated: 2021-11-07. Review status: criteria provided, single submitter. Criteria: ACMG Guidelines, 2015. Collection method: clinical testing. Allele origin: germline. Affected: no.

NM_000268.4(NF2):c.1762C>T (p.Arg588Ter)

Gene: NF2 (NF2, moesin-ezrin-radixin like (MERLIN) tumor suppressor; plus strand). Cytogenetic location: 22q12.2.
Variant type: single nucleotide variant.
Coding change: c.1762C>T on transcript NM_000268.4 (MANE Select); coding-DNA position 1762, C replaced by T.
Protein change: p.Arg588Ter; replaces arginine 588 with a stop codon.
Molecular consequence: nonsense. On other transcripts: 3 prime UTR variant (5), non-coding transcript variant (1).
Genome position (GRCh38, 1-based): chr22:29,694,776, C>T. VCF-style: chr22-29694776-C-T. GRCh37 (hg19) VCF-style: chr22-30090765-C-T.
Other names: c.*34C>T (NM_016418.5, NM_181828.3, NM_181829.3 and 1 more transcripts); c.*49C>T (NM_181832.3); c.472C>T, p.Arg158Ter (NM_181833.3); short protein forms R158*, R588*.
Identifiers: ClinVar variation 968444 (VCV000968444.39), dbSNP rs1341371726, ClinGen allele CA411152247.